The following is an entry in ClinVar:

ClinVar aggregate classification (germline): Likely pathogenic. Review status: criteria provided, multiple submitters, no conflicts (2 of 4 stars). 5 submissions from 5 submitters: Likely pathogenic (5). Last evaluated 2026-10-06.

Conditions:
Neurofibromatosis, type 1 (NF1). Also called: Peripheral type neurofibromatosis; NEUROFIBROMATOSIS, TYPE I, SOMATIC; Neurofibromatosis, type I; VON RECKLINGHAUSEN DISEASE. Identifiers: Orphanet 636, MedGen C0027831, MONDO:0018975, OMIM 162200. Disease mechanism: loss of function.

Submissions (5):

NHS Central & South Genomic Laboratory Hub
Classification: Likely pathogenic for Neurofibromatosis type 1. Last evaluated: 2026-10-06. Review status: criteria provided, single submitter. Criteria: ACMG Guidelines, 2015. Collection method: clinical testing. Allele origin: germline. Affected: yes.

Labcorp Genetics (formerly Invitae), Labcorp
Classification: Likely pathogenic for Neurofibromatosis, type 1. Last evaluated: 2025-10-12. Review status: criteria provided, single submitter. Criteria: Invitae Variant Classification Sherloc (09022015). Collection method: clinical testing. Allele origin: germline.
Comment: This sequence change replaces glycine, which is neutral and non-polar, with arginine, which is basic and polar, at codon 1869 of the NF1 protein (p.Gly1869Arg). This variant is not present in population databases (gnomAD no frequency). This missense change has been observed in individual(s) with clinical features of neurofibromatosis type 1 and/or NF1-Noonan syndrome (PMID: 23656349, 31717729; internal data). ClinVar contains an entry for this variant (Variation ID: 996486). Invitae Evidence Modeling of protein sequence and biophysical properties (such as structural, functional, and spatial information, amino acid conservation, physicochemical variation, residue mobility, and thermodynamic stability) indicates that this missense variant is expected to disrupt NF1 protein function with a positive predictive value of 95%. This variant disrupts the p.Gly1869 amino acid residue in NF1. Other variant(s) that disrupt this residue have been determined to be pathogenic (PMID: 23656349, 26275891; internal data). This suggests that this residue is clinically significant, and that variants that disrupt this residue are likely to be disease-causing. In summary, the currently available evidence indicates that the variant is pathogenic, but additional data are needed to prove that conclusively. Therefore, this variant has been classified as Likely Pathogenic.

GeneDx
Classification: Likely pathogenic. Last evaluated: 2023-11-14. Review status: criteria provided, single submitter. Criteria: GeneDx Variant Classification Process June 2021. Collection method: clinical testing. Allele origin: germline. Affected: yes.
Comment: Not observed at significant frequency in large population cohorts (gnomAD); In silico analysis supports that this missense variant has a deleterious effect on protein structure/function; This variant is associated with the following publications: (PMID: 23656349, 31717729)

Genome-Nilou Lab
Classification: Likely pathogenic for Neurofibromatosis, type 1. Last evaluated: 2022-03-15. Review status: criteria provided, single submitter. Criteria: ACMG Guidelines, 2015. Collection method: clinical testing. Allele origin: germline. Affected: no.

Genome Diagnostics Laboratory, The Hospital for Sick Children
Classification: Likely pathogenic for Neurofibromatosis, type 1. Last evaluated: 2020-10-26. Review status: criteria provided, single submitter. Criteria: ACMG Guidelines, 2015. Collection method: clinical testing. Allele origin: germline. Affected: yes.

Literature cited by the submitters: PubMed 23656349 (cited by Labcorp Genetics (formerly Invitae), Labcorp); PubMed 31717729 (cited by Labcorp Genetics (formerly Invitae), Labcorp); PubMed 26275891 (cited by Labcorp Genetics (formerly Invitae), Labcorp).

NM_001042492.3(NF1):c.5668G>C (p.Gly1890Arg)

Gene: NF1 (neurofibromin 1; plus strand). Cytogenetic location: 17q11.2.
Variant type: single nucleotide variant.
Coding change: c.5668G>C on transcript NM_001042492.3 (MANE Select); coding-DNA position 5668, G replaced by C.
Protein change: p.Gly1890Arg; replaces glycine 1890 with arginine.
Molecular consequence: missense variant.
Genome position (GRCh38, 1-based): chr17:31,330,354, G>C. VCF-style: chr17-31330354-G-C. GRCh37 (hg19) VCF-style: chr17-29657372-G-C.
Other names: c.5605G>C, p.Gly1869Arg (NM_000267.4); short protein forms G1869R, G1890R.
Identifiers: ClinVar variation 996486 (VCV000996486.12), dbSNP rs1597834706, ClinGen allele CA399010216.